The following is an entry in ClinVar:

NM_017654.4(SAMD9):c.1838A>C (p.Glu613Ala)

Gene: SAMD9 (sterile alpha motif domain containing 9; minus strand). Cytogenetic location: 7q21.2.
Variant type: single nucleotide variant.
Coding change: c.1838A>C on transcript NM_017654.4 (MANE Select); coding-DNA position 1838, A replaced by C.
Protein change: p.Glu613Ala; replaces glutamic acid 613 with alanine.
Molecular consequence: missense variant.
Genome position (GRCh38, 1-based): chr7:93,104,260, T>G on the plus strand (A>C on the coding strand, the complement: SAMD9 is on the minus strand). VCF-style: chr7-93104260-T-G. GRCh37 (hg19) VCF-style: chr7-92733573-T-G.
Other names: c.1838A>C, p.Glu613Ala (NM_001193307.2); short protein forms E613A.
Identifiers: ClinVar variation 3949598 (VCV003949598.1).
Genomic context (GRCh38, chr7:93,104,260, plus strand): 5'-GGCAAAAGCCTTTTTGAAGATTGAGTCACAGATTTTAGTTTAAGAATAGTGCCATTGATC[T>G]CTTCAAGGCTTAAAGCAGAAATACATTGGCTTGAAATTTCATCTTGGTGTTTTATTAATC-3'
Protein context (NP_060124.2, residues 603-623): SQCISALSLE[Glu613Ala]INGTILKLKS

ClinVar aggregate classification (germline): Uncertain significance (1 of 4 stars; one submission).

Conditions:
Inborn genetic diseases. Identifiers: MedGen C0950123, MeSH D030342.

Submission:

Ambry Genetics
Classification: Uncertain significance for Inborn genetic diseases. Last evaluated: 2025-04-29. Review status: criteria provided, single submitter. Criteria: Ambry Variant Classification Scheme 2023. Collection method: clinical testing. Allele origin: germline.
Comment: The p.E613A variant (also known as c.1838A>C), located in coding exon 1 of the SAMD9 gene, results from an A to C substitution at nucleotide position 1838. The glutamic acid at codon 613 is replaced by alanine, an amino acid with dissimilar properties. This amino acid position is conserved. In addition, this alteration is predicted to be tolerated by in silico analysis. Based on the available evidence, the clinical significance of this variant remains unclear.